The following is an entry in ClinVar:

NM_006348.5(COG5):c.2482C>T (p.Leu828Phe)

Gene: COG5 (component of oligomeric golgi complex 5; minus strand). Cytogenetic location: 7q22.3.
Variant type: single nucleotide variant.
Coding change: c.2482C>T on transcript NM_006348.5 (MANE Select); coding-DNA position 2482, C replaced by T.
Protein change: p.Leu828Phe; replaces leucine 828 with phenylalanine.
Molecular consequence: missense variant.
Genome position (GRCh38, 1-based): chr7:107,203,524, G>A on the plus strand (C>T on the coding strand, the complement: COG5 is on the minus strand). VCF-style: chr7-107203524-G-A. GRCh37 (hg19) VCF-style: chr7-106843969-G-A.
Other names: c.2320C>T, p.Leu774Phe (NM_001379511.1); c.2308C>T, p.Leu770Phe (NM_001379512.1); c.2275C>T, p.Leu759Phe (NM_001379513.1); c.2167C>T, p.Leu723Phe (NM_001379514.1); c.1912C>T, p.Leu638Phe (NM_001379515.1); c.1768C>T, p.Leu590Phe (NM_001379516.1); c.2419C>T, p.Leu807Phe (NM_181733.4); short protein forms L828F, L638F, L770F, L774F, L590F, L807F, L723F, L759F.
Identifiers: ClinVar variation 2038960 (VCV002038960.4), dbSNP rs746763077, ClinGen allele CA4430564.

ClinVar aggregate classification (germline): Uncertain significance (1 of 4 stars; one submission).

Conditions:
COG5-congenital disorder of glycosylation. Also called: COG5-CDG; CONGENITAL DISORDER OF GLYCOSYLATION, TYPE IIi; CDG IIi. Identifiers: Orphanet 263487, MedGen C3150876, MONDO:0013325, OMIM 613612.

Allele frequency attached by ClinVar (database versions not stated): gnomAD exomes below 0.00001; ExAC 0.00001; TOPMed 0.00001; gnomAD 0.00002.
gnomAD v4.1: 8 of 1,609,796 alleles (0.0005%); highest among the groups gnomAD compares: African/African-American, 0.0053%; no homozygotes.

Submission:

Labcorp Genetics (formerly Invitae), Labcorp
Classification: Uncertain significance for COG5-congenital disorder of glycosylation. Last evaluated: 2022-05-16. Review status: criteria provided, single submitter. Criteria: Invitae Variant Classification Sherloc (09022015). Collection method: clinical testing. Allele origin: germline.
Comment: In summary, the available evidence is currently insufficient to determine the role of this variant in disease. Therefore, it has been classified as a Variant of Uncertain Significance. This sequence change replaces leucine, which is neutral and non-polar, with phenylalanine, which is neutral and non-polar, at codon 859 of the COG5 protein (p.Leu859Phe). This variant is present in population databases (rs746763077, gnomAD 0.004%). This variant has not been reported in the literature in individuals affected with COG5-related conditions. Algorithms developed to predict the effect of missense changes on protein structure and function (SIFT, PolyPhen-2, Align-GVGD) all suggest that this variant is likely to be tolerated.